The following is an entry in ClinVar:

NM_001430.5(EPAS1):c.675G>T (p.Met225Ile)

Genes: EPAS1 (endothelial PAS domain protein 1; plus strand), LOC126806210 (BRD4-independent group 4 enhancer GRCh37_chr2:46587586-46588785; plus strand). Cytogenetic location: 2p21.
Variant type: single nucleotide variant.
Coding change: c.675G>T on transcript NM_001430.5 (MANE Select); coding-DNA position 675, G replaced by T.
Protein change: p.Met225Ile; replaces methionine 225 with isoleucine.
Molecular consequence: missense variant.
Genome position (GRCh38, 1-based): chr2:46,360,986, G>T. VCF-style: chr2-46360986-G-T. GRCh37 (hg19) VCF-style: chr2-46588125-G-T.
Other names: short protein forms M225I.
Identifiers: ClinVar variation 3221667 (VCV003221667.1), dbSNP rs1684373867, ClinGen allele CA346700103.

ClinVar aggregate classification (germline): Uncertain significance (1 of 4 stars; one submission).

Conditions:
Inborn genetic diseases. Identifiers: MedGen C0950123, MeSH D030342.

Allele frequency attached by ClinVar (database versions not stated): TOPMed below 0.00001.

Submission:

Ambry Genetics
Classification: Uncertain significance for Inborn genetic diseases. Last evaluated: 2024-02-20. Review status: criteria provided, single submitter. Criteria: Ambry Variant Classification Scheme 2023. Collection method: clinical testing. Allele origin: germline.
Comment: The p.M225I variant (also known as c.675G>T), located in coding exon 6 of the EPAS1 gene, results from a G to T substitution at nucleotide position 675. The methionine at codon 225 is replaced by isoleucine, an amino acid with highly similar properties. This amino acid position is conserved. In addition, this alteration is predicted to be tolerated by in silico analysis. Based on the available evidence, the clinical significance of this alteration remains unclear.